The following is an entry in ClinVar:

NM_000548.5(TSC2):c.4087G>A (p.Val1363Ile)

Gene: TSC2 (TSC complex subunit 2; plus strand). Cytogenetic location: 16p13.3.
Variant type: single nucleotide variant.
Coding change: c.4087G>A on transcript NM_000548.5 (MANE Select); coding-DNA position 4087, G replaced by A.
Protein change: p.Val1363Ile; replaces valine 1363 with isoleucine.
Molecular consequence: missense variant.
Genome position (GRCh38, 1-based): chr16:2,084,309, G>A. VCF-style: chr16-2084309-G-A. GRCh37 (hg19) VCF-style: chr16-2134310-G-A.
Other names: c.3886G>A, p.Val1296Ile (NM_001077183.3); c.4018G>A, p.Val1340Ile (NM_001114382.3); c.3778G>A, p.Val1260Ile (NM_001318827.2); c.3742G>A, p.Val1248Ile (NM_001318829.2); c.3355G>A, p.Val1119Ile (NM_001318831.2); c.3919G>A, p.Val1307Ile (NM_001318832.2); c.3889G>A, p.Val1297Ile (NM_001363528.2); c.3955G>A, p.Val1319Ile (NM_001370404.1); and 1 more; short protein forms V1363I, V1319I, V1119I, V1297I, V1320I, V1307I, V1248I, V1260I.
Identifiers: ClinVar variation 405949 (VCV000405949.22), dbSNP rs751203255, ClinGen allele CA050403.

ClinVar aggregate classification (germline): Conflicting classifications of pathogenicity. Review status: criteria provided, conflicting classifications (1 of 4 stars). 8 submissions from 8 submitters: Uncertain significance (2); Benign (1); Likely benign (5). Last evaluated 2025-11-22.

Conditions:
Hereditary cancer-predisposing syndrome. Also called: Tumor predisposition; Neoplastic Syndromes, Hereditary; Hereditary Cancer Syndrome; Hereditary neoplastic syndrome. Identifiers: Orphanet 140162, MedGen C0027672, MeSH D009386, MONDO:0015356.
Tuberous sclerosis syndrome (TSC). Also called: Tuberous Sclerosis Complex; Tuberous sclerosis. Identifiers: Orphanet 805, MedGen C0041341, MONDO:0001734.
Tuberous sclerosis 2 (TSC2). Identifiers: Orphanet 805, MedGen C1860707, MONDO:0013199, OMIM 613254.

Allele frequency attached by ClinVar (database versions not stated): gnomAD below 0.00001 and 0.00001; TOPMed below 0.00001; gnomAD exomes 0.00001 and 0.00003; ExAC 0.00004.
gnomAD v4.1: 18 of 1,612,630 alleles (0.0011%); highest among the groups gnomAD compares: South Asian, 0.0055%; no homozygotes.

Submissions (8):

Labcorp Genetics (formerly Invitae), Labcorp
Classification: Benign for Tuberous sclerosis 2. Last evaluated: 2025-11-22. Review status: criteria provided, single submitter. Criteria: Invitae Variant Classification Sherloc (09022015). Collection method: clinical testing. Allele origin: germline.

Color Diagnostics, LLC DBA Color Health
Classification: Likely benign for Tuberous sclerosis syndrome. Last evaluated: 2025-06-24. Review status: criteria provided, single submitter. Criteria: ACMG Guidelines, 2015. Collection method: clinical testing. Allele origin: germline.

Myriad Genetics, Inc.
Classification: Likely benign for Tuberous sclerosis 2. Last evaluated: 2024-08-20. Review status: criteria provided, single submitter. Criteria: Myriad Autosomal Dominant, Autosomal Recessive and X-Linked Classification Criteria (2023). Collection method: clinical testing. Allele origin: unknown.
Comment: This variant is considered likely benign. This variant has been observed at a population frequency that is significantly greater than expected given the associated disease prevalence and penetrance.

Ambry Genetics
Classification: Likely benign for Hereditary cancer-predisposing syndrome. Last evaluated: 2021-12-01. Review status: criteria provided, single submitter. Criteria: Ambry Variant Classification Scheme 2023. Collection method: clinical testing. Allele origin: germline.

Genome-Nilou Lab
Classification: Likely benign for Tuberous sclerosis 2. Last evaluated: 2021-11-07. Review status: criteria provided, single submitter. Criteria: ACMG Guidelines, 2015. Collection method: clinical testing. Allele origin: germline. Affected: no.

Sema4
Classification: Uncertain significance for Hereditary cancer-predisposing syndrome. Last evaluated: 2021-07-27. Review status: criteria provided, single submitter. Criteria: Sema4 Curation Guidelines. Collection method: curation. Allele origin: germline.
Comment: The TSC2 c.4087G>A (p.V1363I) variant has not been reported in literature to our knowledge. This variant was observed in 4/30576 chromosomes in the South Asian population, according to the Genome Aggregation Database (PMID: 32461654). This variant has been reported in ClinVar (Variation ID 405949). Functional studies have not been performed and in silico predictions of the variant's effect on protein function are inconclusive. The overall evidence is insufficient to meet ACMG/AMP criteria for classifying it as benign or pathogenic. In summary, the clinical significance of this variant is currently uncertain.

GeneDx
Classification: Likely benign. Last evaluated: 2021-07-21. Review status: criteria provided, single submitter. Criteria: GeneDx Variant Classification Process June 2021. Collection method: clinical testing. Allele origin: germline. Affected: yes.

Athena Diagnostics
Classification: Uncertain significance. Last evaluated: 2017-11-20. Review status: criteria provided, single submitter. Criteria: Athena Diagnostics Criteria. Collection method: clinical testing. Allele origin: germline.